The following is an entry in ClinVar:

ClinVar aggregate classification (germline): Uncertain significance (1 of 4 stars; one submission).

gnomAD v4.1: 5 of 1,603,318 alleles (0.00031%); highest among the groups gnomAD compares: Non-Finnish European, 0.00034%; no homozygotes.

Submission:

Labcorp Genetics (formerly Invitae), Labcorp
Classification: Uncertain significance. Last evaluated: 2024-12-09. Review status: criteria provided, single submitter. Criteria: Invitae Variant Classification Sherloc (09022015). Collection method: clinical testing. Allele origin: germline.
Comment: This sequence change replaces glutamic acid, which is acidic and polar, with lysine, which is basic and polar, at codon 1727 of the SPTBN2 protein (p.Glu1727Lys). This variant is not present in population databases (gnomAD no frequency). This variant has not been reported in the literature in individuals affected with SPTBN2-related conditions. Invitae Evidence Modeling of protein sequence and biophysical properties (such as structural, functional, and spatial information, amino acid conservation, physicochemical variation, residue mobility, and thermodynamic stability) indicates that this missense variant is expected to disrupt SPTBN2 protein function with a positive predictive value of 80%. In summary, the available evidence is currently insufficient to determine the role of this variant in disease. Therefore, it has been classified as a Variant of Uncertain Significance.

NM_006946.4(SPTBN2):c.5179G>A (p.Glu1727Lys)

Gene: SPTBN2 (spectrin beta, non-erythrocytic 2; minus strand). Cytogenetic location: 11q13.2.
Variant type: single nucleotide variant.
Coding change: c.5179G>A on transcript NM_006946.4 (MANE Select); coding-DNA position 5179, G replaced by A.
Protein change: p.Glu1727Lys; replaces glutamic acid 1727 with lysine.
Molecular consequence: missense variant.
Genome position (GRCh38, 1-based): chr11:66,692,547, C>T on the plus strand (G>A on the coding strand, the complement: SPTBN2 is on the minus strand). VCF-style: chr11-66692547-C-T. GRCh37 (hg19) VCF-style: chr11-66460018-C-T.
Other names: c.5200G>A, p.Glu1734Lys (NM_001411025.1); short protein forms E1734K, E1727K.
Identifiers: ClinVar variation 3697874 (VCV003697874.2).